The following is an entry in ClinVar:

ClinVar aggregate classification (germline): Uncertain significance (1 of 4 stars; one submission).

Allele frequency attached by ClinVar (database versions not stated): gnomAD exomes below 0.00001.
gnomAD v4.1: 1 of 1,614,092 alleles (0.000062%); highest among the groups gnomAD compares: Non-Finnish European, 0.000085%; no homozygotes.

Submission:

Labcorp Genetics (formerly Invitae), Labcorp
Classification: Uncertain significance. Last evaluated: 2022-05-25. Review status: criteria provided, single submitter. Criteria: Invitae Variant Classification Sherloc (09022015). Collection method: clinical testing. Allele origin: germline.
Comment: In summary, the available evidence is currently insufficient to determine the role of this variant in disease. Therefore, it has been classified as a Variant of Uncertain Significance. Algorithms developed to predict the effect of missense changes on protein structure and function are either unavailable or do not agree on the potential impact of this missense change (SIFT: "Deleterious"; PolyPhen-2: "Benign"; Align-GVGD: "Class C0"). This variant has not been reported in the literature in individuals affected with C1S-related conditions. This variant is not present in population databases (gnomAD no frequency). This sequence change replaces serine, which is neutral and polar, with asparagine, which is neutral and polar, at codon 87 of the C1S protein (p.Ser87Asn).

NM_001734.5(C1S):c.260G>A (p.Ser87Asn)

Gene: C1S (complement C1s; plus strand). Cytogenetic location: 12p13.31.
Variant type: single nucleotide variant.
Coding change: c.260G>A on transcript NM_001734.5 (MANE Select); coding-DNA position 260, G replaced by A.
Protein change: p.Ser87Asn; replaces serine 87 with asparagine.
Molecular consequence: missense variant. On other transcripts: 5 prime UTR variant (1).
Genome position (GRCh38, 1-based): chr12:7,062,936, G>A. VCF-style: chr12-7062936-G-A. GRCh37 (hg19) VCF-style: chr12-7170240-G-A.
Other names: c.-242G>A (NM_001346850.2); c.260G>A, p.Ser87Asn (NM_201442.4); short protein forms S87N.
Identifiers: ClinVar variation 1999070 (VCV001999070.4), dbSNP rs782661579, ClinGen allele CA383689010.